The following is an entry in ClinVar:

NM_080425.4(GNAS):c.46C>T (p.Arg16Cys)

Gene: GNAS (GNAS complex locus; plus strand). Cytogenetic location: 20q13.32.
Variant type: single nucleotide variant.
Coding change: c.46C>T on transcript NM_080425.4 (MANE Plus Clinical); coding-DNA position 46, C replaced by T.
Protein change: p.Arg16Cys; replaces arginine 16 with cysteine.
Molecular consequence: missense variant. On other transcripts: 5 prime UTR variant (2), intron variant (3).
Genome position (GRCh38, 1-based): chr20:58,853,311, C>T. VCF-style: chr20-58853311-C-T. GRCh37 (hg19) VCF-style: chr20-57428366-C-T.
Other names: c.-142C>T (NM_001077490.3, NM_001309883.1); c.46C>T, p.Arg16Cys (NM_001410913.1); c.*42+12425C>T (NM_016592.5); c.43+12425C>T (NM_001410912.1); c.-39+11436C>T (NM_001309861.2); short protein forms R16C.
Identifiers: ClinVar variation 4979310 (VCV004979310.1).
Genomic context (GRCh38, chr20:58,853,311, plus strand): 5'-GGCCGCCACCGTGTTATGGGCGTGCGCAACTGCCTCTACGGCAATAATATGTCAGGACAA[C>T]GCGATATCCCCCCTGAAATCGGGGAACAGCCCGAGCAACCACCTTTGGAGGCCCCAGGGG-3'
Protein context (NP_536350.2, residues 6-26): CLYGNNMSGQ[Arg16Cys]DIPPEIGEQP

ClinVar aggregate classification (germline): Uncertain significance (1 of 4 stars; one submission).

Conditions:
GNAS-related disorder. Identifiers: MedGen CN380105.

gnomAD v4.1: 27 of 1,550,172 alleles (0.0017%); highest among the groups gnomAD compares: East Asian, 0.051%; no homozygotes.

Submission:

PreventionGenetics, part of Exact Sciences
Classification: Uncertain significance for GNAS-related condition. Last evaluated: 2026-05-13. Review status: criteria provided, single submitter. Criteria: ACMG Guidelines, 2015. Collection method: clinical testing. Allele origin: germline.
Comment: The GNAS c.46C>T variant is predicted to result in the amino acid substitution p.Arg16Cys. This variant is also referred to as c.-38416C>T (Pre-Coding) on the alternate transcript NM_000516. To our knowledge, this variant has not been reported in individuals with GNAS-related disorders. This variant is reported in 0.16% of alleles in individuals of East Asian descent in gnomAD. Although we suspect that this variant may be benign, at this time, the clinical significance of this variant is uncertain due to the absence of conclusive functional and genetic evidence.